The following is an entry in ClinVar:

ClinVar aggregate classification (germline): Pathogenic/Likely pathogenic. Review status: criteria provided, multiple submitters, no conflicts (2 of 4 stars). 5 submissions from 5 submitters: Pathogenic (2); Likely pathogenic (1). 2 of the submissions do not count toward it. Last evaluated 2024-10-28.

Conditions:
Jeune thoracic dystrophy. Also called: Jeune syndrome; Infantile thoracic dystrophy; Thoracic pelvic phalangeal dystrophy; Jeune's syndrome; Chondroectodermal dysplasia-like syndrome; Short-rib thoracic dysplasia. Identifiers: Orphanet 474, MedGen C0265275, MONDO:0018770.
DYNC2H1-related disorder. Also called: DYNC2H1-related condition; DYNC2H1-related disorders. Identifiers: MedGen CN378770.
Asphyxiating thoracic dystrophy 3. Also called: SHORT-RIB THORACIC DYSPLASIA 3 WITH OR WITHOUT POLYDACTYLY; POLYDACTYLY WITH NEONATAL CHONDRODYSTROPHY, TYPE I; SHORT-RIB THORACIC DYSPLASIA 3/6 WITH POLYDACTYLY, DIGENIC; Short rib polydactyly syndrome 2B; Saldino-Noonan Syndrome. Identifiers: Orphanet 474, Orphanet 93269, Orphanet 93270, Orphanet 93271, MedGen C0036069, MONDO:0013127, OMIM 613091.

Allele frequency attached by ClinVar (database versions not stated): gnomAD exomes below 0.00001 and 0.00001; ExAC 0.00001.
gnomAD v4.1: 4 of 1,588,768 alleles (0.00025%); highest among the groups gnomAD compares: Admixed American, 0.0017%; no homozygotes.

Submissions (5):

GeneDx
Classification: Pathogenic. Last evaluated: 2024-10-28. Review status: criteria provided, single submitter. Criteria: GeneDx Variant Classification Process June 2021. Collection method: clinical testing. Allele origin: germline. Affected: yes.
Comment: Canonical splice site variant predicted to result in a null allele in a gene for which loss of function is a known mechanism of disease; Not observed at significant frequency in large population cohorts (gnomAD); This variant is associated with the following publications: (PMID: 23339108, 33755199, 32753734, 29068549)

Blueprint Genetics
Classification: Likely pathogenic for DYNC2H1-related disorders. Last evaluated: 2024-08-29. Review status: criteria provided, single submitter. Criteria: ACMG Guidelines, 2015. Collection method: clinical testing. Allele origin: germline. Affected: yes. Observed: 3 variant alleles.

Labcorp Genetics (formerly Invitae), Labcorp
Classification: Pathogenic for Jeune thoracic dystrophy. Last evaluated: 2023-10-22. Review status: criteria provided, single submitter. Criteria: Invitae Variant Classification Sherloc (09022015). Collection method: clinical testing. Allele origin: germline.
Comment: This sequence change affects an acceptor splice site in intron 5 of the DYNC2H1 gene. It is expected to disrupt RNA splicing. Variants that disrupt the donor or acceptor splice site typically lead to a loss of protein function (PMID: 16199547), and loss-of-function variants in DYNC2H1 are known to be pathogenic (PMID: 23339108, 32753734, 33755199). This variant is present in population databases (rs762873763, gnomAD 0.0009%). Disruption of this splice site has been observed in individual(s) with short-rib polydactyly syndrome (PMID: 29068549). In at least one individual the data is consistent with being in trans (on the opposite chromosome) from a pathogenic variant. ClinVar contains an entry for this variant (Variation ID: 446575). Algorithms developed to predict the effect of sequence changes on RNA splicing suggest that this variant may disrupt the consensus splice site. For these reasons, this variant has been classified as Pathogenic.

Dan Cohn Lab, University Of California Los Angeles
Classification: Pathogenic for Asphyxiating thoracic dystrophy 3. Last evaluated: 2017-06-01. Review status: no assertion criteria provided. Collection method: research. Allele origin: maternal. Affected: yes. Not counted in ClinVar's aggregate classification.

University of Washington Center for Mendelian Genomics, University of Washington
Classification: Likely pathogenic for Asphyxiating thoracic dystrophy 3. Review status: no assertion criteria provided. Collection method: research. Allele origin: inherited. Affected: yes. Not counted in ClinVar's aggregate classification.

Literature cited by the submitters: PubMed 16199547 (cited by Labcorp Genetics (formerly Invitae), Labcorp); PubMed 23339108 (cited by Labcorp Genetics (formerly Invitae), Labcorp); PubMed 32753734 (cited by Labcorp Genetics (formerly Invitae), Labcorp); PubMed 33755199 (cited by Labcorp Genetics (formerly Invitae), Labcorp); PubMed 29068549 (cited by 3 submitters).

NM_001377.3(DYNC2H1):c.767-2A>G

Gene: DYNC2H1 (dynein cytoplasmic 2 heavy chain 1; plus strand). Cytogenetic location: 11q22.3.
Variant type: single nucleotide variant.
Coding change: c.767-2A>G on transcript NM_001377.3 (MANE Select); the canonical splice acceptor site of the intron before coding-DNA position 767, A replaced by G.
Molecular consequence: splice acceptor variant.
Genome position (GRCh38, 1-based): chr11:103,117,629, A>G. VCF-style: chr11-103117629-A-G. GRCh37 (hg19) VCF-style: chr11-102988358-A-G.
Other names: c.767-2A>G (NM_001080463.2).
Identifiers: ClinVar variation 446575 (VCV000446575.8), dbSNP rs762873763, ClinGen allele CA6252602.
Genomic context (GRCh38, chr11:103,117,629, plus strand): 5'-TTATAATTTTTCTATAAAAATACATTTATTTCCCTTAAACTCTTTGCTTTATGTTTTATT[A>G]GGTGGTTCATTTGGAAGGTTTGTTCAGAAAAAGTTGGGAACTTTGAACCTGTGGGAAGAT-3'